The following is an entry in ClinVar:

ClinVar aggregate classification (germline): Uncertain significance (1 of 4 stars; one submission).

Conditions:
Congenital myasthenic syndrome 2A. Also called: Myasthenic syndrome, congenital, 2a, slow-channel. Identifiers: Orphanet 590, MedGen C4225374, MONDO:0014581, OMIM 616313.

Submission:

Labcorp Genetics (formerly Invitae), Labcorp
Classification: Uncertain significance for Congenital myasthenic syndrome 2A. Last evaluated: 2025-01-25. Review status: criteria provided, single submitter. Criteria: Invitae Variant Classification Sherloc (09022015). Collection method: clinical testing. Allele origin: germline.
Comment: This sequence change replaces threonine, which is neutral and polar, with serine, which is neutral and polar, at codon 320 of the CHRNB1 protein (p.Thr320Ser). This variant is not present in population databases (gnomAD no frequency). This variant has not been reported in the literature in individuals affected with CHRNB1-related conditions. Invitae Evidence Modeling of protein sequence and biophysical properties (such as structural, functional, and spatial information, amino acid conservation, physicochemical variation, residue mobility, and thermodynamic stability) indicates that this missense variant is not expected to disrupt CHRNB1 protein function with a negative predictive value of 80%. In summary, the available evidence is currently insufficient to determine the role of this variant in disease. Therefore, it has been classified as a Variant of Uncertain Significance.

NM_000747.3(CHRNB1):c.959C>G (p.Thr320Ser)

Gene: CHRNB1 (cholinergic receptor nicotinic beta 1 subunit; plus strand). Cytogenetic location: 17p13.1.
Variant type: single nucleotide variant.
Coding change: c.959C>G on transcript NM_000747.3 (MANE Select); coding-DNA position 959, C replaced by G.
Protein change: p.Thr320Ser; replaces threonine 320 with serine.
Molecular consequence: missense variant.
Genome position (GRCh38, 1-based): chr17:7,454,435, C>G. VCF-style: chr17-7454435-C-G. GRCh37 (hg19) VCF-style: chr17-7357754-C-G.
Other names: short protein forms T320S.
Identifiers: ClinVar variation 3684865 (VCV003684865.2).
Genomic context (GRCh38, chr17:7,454,435, plus strand): 5'-AGACCTCACTATCAGTACCCATTATTATCAAGTACCTCATGTTTACCATGGTCCTCGTCA[C>G]CTTCTCAGTCATCCTTAGTGTCGTGGTTCTCAACCTGCACCACCGCTCACCCCACACCCA-3'
Protein context (NP_000738.2, residues 310-330): KYLMFTMVLV[Thr320Ser]FSVILSVVVL